The following is an entry in ClinVar:

ClinVar aggregate classification (germline): Uncertain significance (1 of 4 stars; one submission).

Conditions:
Rubinstein-Taybi syndrome (RSTS). Identifiers: Orphanet 783, MedGen C0035934, MONDO:0019188.

Allele frequency attached by ClinVar (database versions not stated): gnomAD exomes below 0.00001.
gnomAD v4.1: 3 of 1,614,086 alleles (0.00019%); highest among the groups gnomAD compares: South Asian, 0.0011%; no homozygotes.

Submission:

Labcorp Genetics (formerly Invitae), Labcorp
Classification: Uncertain significance for Rubinstein-Taybi syndrome. Last evaluated: 2022-10-19. Review status: criteria provided, single submitter. Criteria: Invitae Variant Classification Sherloc (09022015). Collection method: clinical testing. Allele origin: germline.
Comment: This sequence change replaces proline, which is neutral and non-polar, with serine, which is neutral and polar, at codon 707 of the CREBBP protein (p.Pro707Ser). This variant is present in population databases (no rsID available, gnomAD 0.003%). This variant has not been reported in the literature in individuals affected with CREBBP-related conditions. Advanced modeling of protein sequence and biophysical properties (such as structural, functional, and spatial information, amino acid conservation, physicochemical variation, residue mobility, and thermodynamic stability) performed at Invitae indicates that this missense variant is not expected to disrupt CREBBP protein function. In summary, the available evidence is currently insufficient to determine the role of this variant in disease. Therefore, it has been classified as a Variant of Uncertain Significance.

NM_004380.3(CREBBP):c.2119C>T (p.Pro707Ser)

Gene: CREBBP (CREB binding lysine acetyltransferase; minus strand). Cytogenetic location: 16p13.3.
Variant type: single nucleotide variant.
Coding change: c.2119C>T on transcript NM_004380.3 (MANE Select); coding-DNA position 2119, C replaced by T.
Protein change: p.Pro707Ser; replaces proline 707 with serine.
Molecular consequence: missense variant.
Genome position (GRCh38, 1-based): chr16:3,777,652, G>A on the plus strand (C>T on the coding strand, the complement: CREBBP is on the minus strand). VCF-style: chr16-3777652-G-A. GRCh37 (hg19) VCF-style: chr16-3827653-G-A.
Other names: c.2005C>T, p.Pro669Ser (NM_001079846.1); short protein forms P707S, P669S.
Identifiers: ClinVar variation 2097371 (VCV002097371.4), dbSNP rs1254370568, ClinGen allele CA394554141.